The following is an entry in ClinVar:

ClinVar aggregate classification (germline): Uncertain significance (1 of 4 stars; one submission).

Conditions:
Cardiovascular phenotype. Identifiers: MedGen CN230736.

Allele frequency attached by ClinVar (database versions not stated): gnomAD exomes below 0.00001.
gnomAD v4.1: 1 of 1,613,452 alleles (0.000062%); highest among the groups gnomAD compares: Non-Finnish European, 0.000085%; no homozygotes.

Submission:

Ambry Genetics
Classification: Uncertain significance for Cardiovascular phenotype. Last evaluated: 2015-10-20. Review status: criteria provided, single submitter. Criteria: Ambry Autosomal Dominant and X-Linked criteria (10/2015). Collection method: clinical testing. Allele origin: germline. Observed: 1 variant allele.
Comment: The p.Q23310R variant (also known as c.69929A>G), located in coding exon 274 of the TTN gene, results from an A to G substitution at nucleotide position 69929. The glutamine at codon 23310 is replaced by arginine, an amino acid with some highly similar properties. This variant was not reported in population based cohorts in the following databases: Database of Single Nucleotide Polymorphisms (dbSNP), NHLBI Exome Sequencing Project (ESP), and 1000 Genomes Project. In the ESP, this variant was not observed in 6078 samples (12156 alleles) with coverage at this position. This amino acid position is not well conserved in available vertebrate species, and arginineis the reference amino acid in one species.In addition, this alteration is predicted to be tolerated by in silico analysis.Since supporting evidence is limited at this time, the clinical significance of this variant remains unclear.

NM_001267550.2(TTN):c.77633A>G (p.Gln25878Arg)

Genes: TTN (titin; minus strand), TTN-AS1 (TTN antisense RNA 1; plus strand). Cytogenetic location: 2q31.2.
Variant type: single nucleotide variant.
Coding change: c.77633A>G on transcript NM_001267550.2 (MANE Select); coding-DNA position 77633, A replaced by G.
Protein change: p.Gln25878Arg; replaces glutamine 25878 with arginine.
Molecular consequence: missense variant.
Genome position (GRCh38, 1-based): chr2:178,568,499, T>C on the plus strand (A>G on the coding strand, the complement: TTN is on the minus strand). VCF-style: chr2-178568499-T-C. GRCh37 (hg19) VCF-style: chr2-179433226-T-C.
Other names: c.72710A>G, p.Gln24237Arg (NM_001256850.1); c.50438A>G, p.Gln16813Arg (NM_003319.4); c.69929A>G, p.Gln23310Arg (NM_133378.4); c.50813A>G, p.Gln16938Arg (NM_133432.3); c.51014A>G, p.Gln17005Arg (NM_133437.4); short protein forms Q23310R, Q25878R, Q16813R, Q16938R, Q17005R, Q24237R.
Identifiers: ClinVar variation 263658 (VCV000263658.3), dbSNP rs886038876, ClinGen allele CA10587477.